The following is an entry in ClinVar:

ClinVar aggregate classification (germline): Uncertain significance. Review status: criteria provided, multiple submitters, no conflicts (2 of 4 stars). 3 submissions from 3 submitters: Uncertain significance (3). Last evaluated 2024-12-11.

Conditions:
Developmental and epileptic encephalopathy, 23 (DEE23). Also called: Epileptic encephalopathy, early infantile, 23. Identifiers: Orphanet 411986, MedGen C4014492, MONDO:0014371, OMIM 615859.
Inborn genetic diseases. Identifiers: MedGen C0950123, MeSH D030342.

Allele frequency attached by ClinVar (database versions not stated): TOPMed 0.00010; gnomAD 0.00005.
gnomAD v4.1: 26 of 1,613,354 alleles (0.0016%); highest among the groups gnomAD compares: African/African-American, 0.027%; no homozygotes.

Submissions (3):

Ambry Genetics
Classification: Uncertain significance for Inborn genetic diseases. Last evaluated: 2024-12-11. Review status: criteria provided, single submitter. Criteria: Ambry Variant Classification Scheme 2023. Collection method: clinical testing. Allele origin: germline.

Genome-Nilou Lab
Classification: Uncertain significance for Developmental and epileptic encephalopathy, 23. Last evaluated: 2023-04-11. Review status: criteria provided, single submitter. Criteria: ACMG Guidelines, 2015. Collection method: clinical testing. Allele origin: germline. Affected: no.

Labcorp Genetics (formerly Invitae), Labcorp
Classification: Uncertain significance for Developmental and epileptic encephalopathy, 23. Last evaluated: 2022-09-27. Review status: criteria provided, single submitter. Criteria: Invitae Variant Classification Sherloc (09022015). Collection method: clinical testing. Allele origin: germline.
Comment: This sequence change replaces glutamic acid, which is acidic and polar, with glutamine, which is neutral and polar, at codon 1691 of the DOCK7 protein (p.Glu1691Gln). This variant is present in population databases (rs780985900, gnomAD 0.03%). This variant has not been reported in the literature in individuals affected with DOCK7-related conditions. ClinVar contains an entry for this variant (Variation ID: 1011969). Advanced modeling of protein sequence and biophysical properties (such as structural, functional, and spatial information, amino acid conservation, physicochemical variation, residue mobility, and thermodynamic stability) performed at Invitae indicates that this missense variant is not expected to disrupt DOCK7 protein function. In summary, the available evidence is currently insufficient to determine the role of this variant in disease. Therefore, it has been classified as a Variant of Uncertain Significance.

NM_001367561.1(DOCK7):c.5098G>C (p.Glu1700Gln)

Gene: DOCK7 (dedicator of cytokinesis 7; minus strand). Cytogenetic location: 1p31.3.
Variant type: single nucleotide variant.
Coding change: c.5098G>C on transcript NM_001367561.1 (MANE Select); coding-DNA position 5098, G replaced by C.
Protein change: p.Glu1700Gln; replaces glutamic acid 1700 with glutamine.
Molecular consequence: missense variant.
Genome position (GRCh38, 1-based): chr1:62,494,394, C>G on the plus strand (G>C on the coding strand, the complement: DOCK7 is on the minus strand). VCF-style: chr1-62494394-C-G. GRCh37 (hg19) VCF-style: chr1-62960065-C-G.
Other names: c.5071G>C, p.Glu1691Gln (NM_001271999.2, NM_001330614.2); c.4978G>C, p.Glu1660Gln (NM_001272000.2, NM_001272001.2); c.5005G>C, p.Glu1669Gln (NM_033407.4); c.5005G>C (NM_033407.2); short protein forms E1660Q, E1669Q, E1691Q, E1700Q.
Identifiers: ClinVar variation 1011969 (VCV001011969.7), dbSNP rs780985900, ClinGen allele CA885545.